The following is an entry in ClinVar:

NM_000090.4(COL3A1):c.1869+134G>A

Gene: COL3A1 (collagen type III alpha 1 chain; plus strand). Cytogenetic location: 2q32.2.
Variant type: single nucleotide variant.
Coding change: c.1869+134G>A on transcript NM_000090.4 (MANE Select); 134 bases into the intron after coding-DNA position 1869, G replaced by A.
Molecular consequence: intron variant.
Genome position (GRCh38, 1-based): chr2:188,997,523, G>A. VCF-style: chr2-188997523-G-A. GRCh37 (hg19) VCF-style: chr2-189862249-G-A.
Identifiers: ClinVar variation 675247 (VCV000675247.2), dbSNP rs73981459, ClinGen allele CA62599113.

ClinVar aggregate classification (germline): Benign. Review status: criteria provided, multiple submitters, no conflicts (2 of 4 stars). 2 submissions from 2 submitters: Benign (2). Last evaluated 2018-06-14.

Allele frequency attached by ClinVar (database versions not stated): gnomAD 0.02004 and 0.02125; TOPMed 0.02202; 1000 Genomes Project 0.02236; 1000 Genomes Project 30x 0.02342.
gnomAD v4.1: 5,629 of 1,166,876 alleles (0.48%); highest among the groups gnomAD compares: African/African-American, 7%; 191 homozygotes.

Submissions (2):

GeneDx
Classification: Benign. Last evaluated: 2018-06-14. Review status: criteria provided, single submitter. Criteria: GeneDx Variant Classification (06012015). Collection method: clinical testing. Allele origin: germline. Affected: yes.
Comment: This variant is considered likely benign or benign based on one or more of the following criteria: it is a conservative change, it occurs at a poorly conserved position in the protein, it is predicted to be benign by multiple in silico algorithms, and/or has population frequency not consistent with disease.

Breakthrough Genomics
Classification: Benign. Review status: criteria provided, single submitter. Criteria: ACMG Guidelines, 2015. Collection method: not provided. Allele origin: germline. Inheritance: Autosomal recessive inheritance. Affected: yes.